The following is an entry in ClinVar:

ClinVar aggregate classification (germline): Conflicting classifications of pathogenicity. Review status: criteria provided, conflicting classifications (1 of 4 stars). 3 submissions from 3 submitters: Uncertain significance (2); Likely benign (1). Last evaluated 2025-12-23.

Allele frequency attached by ClinVar (database versions not stated): ExAC 0.00008; ESP Exome Variant Server 0.00019; TOPMed 0.00022.
gnomAD v4.1: 271 of 1,204,196 alleles (0.023%); highest among the groups gnomAD compares: Middle Eastern, 0.069%; no homozygotes.

Submissions (3):

Labcorp Genetics (formerly Invitae), Labcorp
Classification: Uncertain significance. Last evaluated: 2025-12-23. Review status: criteria provided, single submitter. Criteria: Invitae Variant Classification Sherloc (09022015). Collection method: clinical testing. Allele origin: germline.
Comment: This sequence change replaces methionine, which is neutral and non-polar, with isoleucine, which is neutral and non-polar, at codon 498 of the TBC1D8B protein (p.Met498Ile). This variant is present in population databases (rs370734738, gnomAD 0.02%). This variant has not been reported in the literature in individuals affected with TBC1D8B-related conditions. ClinVar contains an entry for this variant (Variation ID: 3174712). An algorithm developed to predict the effect of missense changes on protein structure and function (PolyPhen-2) suggests that this variant is likely to be tolerated. In summary, the available evidence is currently insufficient to determine the role of this variant in disease. Therefore, it has been classified as a Variant of Uncertain Significance.

Women's Health and Genetics/Laboratory Corporation of America, LabCorp
Classification: Likely benign. Last evaluated: 2025-03-20. Review status: criteria provided, single submitter. Criteria: LabCorp Variant Classification Summary - May 2015. Collection method: clinical testing. Allele origin: germline.
Comment: Variant summary: TBC1D8B c.1494G>A (p.Met498Ile) results in a conservative amino acid change in the encoded protein sequence. Three of five in-silico tools predict a benign effect of the variant on protein function. The variant allele was found at a frequency of 0.00023 in 1204196 control chromosomes, including 80 hemizygotes. Although, this frequency is not significantly higher than estimated for a pathogenic variant in TBC1D8B causing Nephrotic Syndrome, Type 20, the frequency and presence of the variant in hemizygotes suggests the variant may be benign. To our knowledge, no occurrence of c.1494G>A in individuals affected with Nephrotic Syndrome, Type 20 and no experimental evidence demonstrating its impact on protein function have been reported. ClinVar contains an entry for this variant (Variation ID: 3174712). Based on the evidence outlined above, the variant was classified as likely benign.

Ambry Genetics
Classification: Uncertain significance. Last evaluated: 2024-01-24. Review status: criteria provided, single submitter. Criteria: Ambry Variant Classification Scheme 2023. Collection method: clinical testing. Allele origin: germline.

NM_017752.3(TBC1D8B):c.1494G>A (p.Met498Ile)

Gene: TBC1D8B (TBC1 domain family member 8B; plus strand). Cytogenetic location: Xq22.3.
Variant type: single nucleotide variant.
Coding change: c.1494G>A on transcript NM_017752.3 (MANE Select); coding-DNA position 1494, G replaced by A.
Protein change: p.Met498Ile; replaces methionine 498 with isoleucine.
Molecular consequence: missense variant.
Genome position (GRCh38, 1-based): chrX:106,840,188, G>A. VCF-style: chrX-106840188-G-A. GRCh37 (hg19) VCF-style: chrX-106083418-G-A.
Other names: c.1494G>A, p.Met498Ile (NM_198881.2); short protein forms M498I.
Identifiers: ClinVar variation 3174712 (VCV003174712.4), dbSNP rs370734738, ClinGen allele CA10483140.